The following is an entry in ClinVar:

ClinVar aggregate classification (germline): Uncertain significance (1 of 4 stars; one submission).

Conditions:
Sulfite oxidase deficiency due to molybdenum cofactor deficiency type C. Also called: Molybdenum cofactor deficiency C; Molybdenum cofactor deficiency, complementation group C. Identifiers: Orphanet 308400, Orphanet 833, MedGen C1854990, MONDO:0014212, OMIM 615501.

Allele frequency attached by ClinVar (database versions not stated): TOPMed 0.00001.
gnomAD v4.1: 8 of 1,578,516 alleles (0.00051%); highest among the groups gnomAD compares: Non-Finnish European, 0.0007%; no homozygotes.

Submission:

Labcorp Genetics (formerly Invitae), Labcorp
Classification: Uncertain significance for Sulfite oxidase deficiency due to molybdenum cofactor deficiency type C. Last evaluated: 2022-09-23. Review status: criteria provided, single submitter. Criteria: Invitae Variant Classification Sherloc (09022015). Collection method: clinical testing. Allele origin: germline.
Comment: In summary, the available evidence is currently insufficient to determine the role of this variant in disease. Therefore, it has been classified as a Variant of Uncertain Significance. Advanced modeling of protein sequence and biophysical properties (such as structural, functional, and spatial information, amino acid conservation, physicochemical variation, residue mobility, and thermodynamic stability) performed at Invitae indicates that this missense variant is not expected to disrupt GPHN protein function. This variant has not been reported in the literature in individuals affected with GPHN-related conditions. This variant is present in population databases (no rsID available, gnomAD 0.007%). This sequence change replaces aspartic acid, which is acidic and polar, with glycine, which is neutral and non-polar, at codon 72 of the GPHN protein (p.Asp72Gly).

NM_020806.5(GPHN):c.215A>G (p.Asp72Gly)

Gene: GPHN (gephyrin; plus strand). Cytogenetic location: 14q23.3.
Variant type: single nucleotide variant.
Coding change: c.215A>G on transcript NM_020806.5 (MANE Select); coding-DNA position 215, A replaced by G.
Protein change: p.Asp72Gly; replaces aspartic acid 72 with glycine.
Molecular consequence: missense variant.
Genome position (GRCh38, 1-based): chr14:66,824,487, A>G. VCF-style: chr14-66824487-A-G. GRCh37 (hg19) VCF-style: chr14-67291205-A-G.
Other names: c.215A>G, p.Asp72Gly (NM_001024218.2, NM_001377514.1, NM_001377515.1 and 4 more transcripts); short protein forms D72G.
Identifiers: ClinVar variation 1720190 (VCV001720190.5), dbSNP rs974394412, ClinGen allele CA263276126.